The following is an entry in ClinVar:

ClinVar aggregate classification (germline): Benign (1 of 4 stars; one submission).

Allele frequency attached by ClinVar (database versions not stated): TOPMed 0.11473; gnomAD 0.11544 and 0.11802; 1000 Genomes Project 0.16953; 1000 Genomes Project 30x 0.17036.
gnomAD v4.1: 17,836 of 152,156 alleles (12%); highest among the groups gnomAD compares: African/African-American, 22%; 1,416 homozygotes.

Submission:

GeneDx
Classification: Benign. Last evaluated: 2018-06-15. Review status: criteria provided, single submitter. Criteria: GeneDx Variant Classification (06012015). Collection method: clinical testing. Allele origin: germline. Affected: yes.
Comment: This variant is considered likely benign or benign based on one or more of the following criteria: it is a conservative change, it occurs at a poorly conserved position in the protein, it is predicted to be benign by multiple in silico algorithms, and/or has population frequency not consistent with disease.

NM_003001.5(SDHC):c.77+519A>G

Gene: SDHC (succinate dehydrogenase complex subunit C; plus strand). Cytogenetic location: 1q23.3.
Variant type: single nucleotide variant.
Coding change: c.77+519A>G on transcript NM_003001.5 (MANE Select); 519 bases into the intron after coding-DNA position 77, A replaced by G.
Molecular consequence: intron variant.
Genome position (GRCh38, 1-based): chr1:161,324,189, A>G. VCF-style: chr1-161324189-A-G. GRCh37 (hg19) VCF-style: chr1-161293979-A-G.
Other names: c.-35+519A>G (NM_001407119.1); c.-153+519A>G (NM_001407120.1); c.77+519A>G (NM_001407115.1, NM_001035511.3, NM_001035512.3 and 2 more transcripts); c.21-4207A>G (NM_001407116.1, NM_001407121.1, NM_001407117.1); c.20+9764A>G (NM_001035513.3).
Identifiers: ClinVar variation 679698 (VCV000679698.2), dbSNP rs55961103, ClinGen allele CA10816710.